The following is an entry in ClinVar:

ClinVar aggregate classification (germline): Benign (0 of 4 stars; one submission).

Conditions:
CPZ-related disorder. Also called: CPZ-related condition.

Allele frequency attached by ClinVar (database versions not stated): ExAC 0.02936; gnomAD 0.08273; 1000 Genomes Project 0.09285; TOPMed 0.09324; ESP Exome Variant Server 0.09565; 1000 Genomes Project 30x 0.09947.
gnomAD v4.1: 28,506 of 1,612,950 alleles (1.8%); highest among the groups gnomAD compares: African/African-American, 29%; 3,258 homozygotes.

Submission:

PreventionGenetics, part of Exact Sciences
Classification: Benign for CPZ-related condition. Last evaluated: 2019-11-14. Review status: no assertion criteria provided. Collection method: clinical testing. Allele origin: germline.
Comment: This variant is classified as benign based on ACMG/AMP sequence variant interpretation guidelines (Richards et al. 2015 PMID: 25741868, with internal and published modifications).

NM_001014447.3(CPZ):c.1502C>T (p.Thr501Met)

Gene: CPZ (carboxypeptidase Z; plus strand). Cytogenetic location: 4p16.1.
Variant type: single nucleotide variant.
Coding change: c.1502C>T on transcript NM_001014447.3 (MANE Select); coding-DNA position 1502, C replaced by T.
Protein change: p.Thr501Met; replaces threonine 501 with methionine.
Molecular consequence: missense variant.
Genome position (GRCh38, 1-based): chr4:8,614,497, C>T. VCF-style: chr4-8614497-C-T. GRCh37 (hg19) VCF-style: chr4-8616224-C-T.
Other names: c.1091C>T, p.Thr364Met (NM_001014448.3); c.1469C>T, p.Thr490Met (NM_003652.4); short protein forms T364M, T490M, T501M.
Identifiers: ClinVar variation 3055306 (VCV003055306.2), dbSNP rs9991535, ClinGen allele CA2853867.